The following is an entry in ClinVar:

NM_002234.4(KCNA5):c.335T>C (p.Leu112Pro)

Gene: KCNA5 (potassium voltage-gated channel subfamily A member 5; plus strand). Cytogenetic location: 12p13.32.
Variant type: single nucleotide variant.
Coding change: c.335T>C on transcript NM_002234.4 (MANE Select); coding-DNA position 335, T replaced by C.
Protein change: p.Leu112Pro; replaces leucine 112 with proline.
Molecular consequence: missense variant.
Genome position (GRCh38, 1-based): chr12:5,044,482, T>C. VCF-style: chr12-5044482-T-C. GRCh37 (hg19) VCF-style: chr12-5153648-T-C.
Other names: short protein forms L112P.
Identifiers: ClinVar variation 3659607 (VCV003659607.2).

ClinVar aggregate classification (germline): Uncertain significance (1 of 4 stars; one submission).

Conditions:
Atrial fibrillation, familial, 7 (ATFB7). Identifiers: MedGen C2677106, MONDO:0012828, OMIM 612240.

Submission:

Labcorp Genetics (formerly Invitae), Labcorp
Classification: Uncertain significance for Atrial fibrillation, familial, 7. Last evaluated: 2024-07-16. Review status: criteria provided, single submitter. Criteria: Invitae Variant Classification Sherloc (09022015). Collection method: clinical testing. Allele origin: germline.
Comment: This sequence change replaces leucine, which is neutral and non-polar, with proline, which is neutral and non-polar, at codon 112 of the KCNA5 protein (p.Leu112Pro). This variant is not present in population databases (gnomAD no frequency). This variant has not been reported in the literature in individuals affected with KCNA5-related conditions. An algorithm developed to predict the effect of missense changes on protein structure and function outputs the following: PolyPhen-2: "Benign". The proline amino acid residue is found in multiple mammalian species, which suggests that this missense change does not adversely affect protein function. In summary, the available evidence is currently insufficient to determine the role of this variant in disease. Therefore, it has been classified as a Variant of Uncertain Significance.